The following is an entry in ClinVar:

ClinVar aggregate classification (germline): Conflicting classifications of pathogenicity. Review status: criteria provided, conflicting classifications (1 of 4 stars). 2 submissions from 2 submitters: Uncertain significance (1); Likely benign (1). Last evaluated 2026-07-09.

Conditions:
Tuberous sclerosis 1 (TSC1). Identifiers: Orphanet 805, MedGen C1854465, MONDO:0008612, OMIM 191100.
Hereditary cancer-predisposing syndrome. Also called: Tumor predisposition; Hereditary neoplastic syndrome; Neoplastic Syndromes, Hereditary; Hereditary Cancer Syndrome. Identifiers: Orphanet 140162, MedGen C0027672, MeSH D009386, MONDO:0015356.

Allele frequency attached by ClinVar (database versions not stated): gnomAD exomes below 0.00001.
gnomAD v4.1: 1 of 1,614,076 alleles (0.000062%); highest among the groups gnomAD compares: Non-Finnish European, 0.000085%; no homozygotes.

Submissions (2):

Ambry Genetics
Classification: Likely benign for Hereditary cancer-predisposing syndrome. Last evaluated: 2026-07-09. Review status: criteria provided, single submitter. Criteria: Ambry Variant Classification Scheme 2023. Collection method: clinical testing. Allele origin: germline.

Labcorp Genetics (formerly Invitae), Labcorp
Classification: Uncertain significance for Tuberous sclerosis 1. Last evaluated: 2024-04-23. Review status: criteria provided, single submitter. Criteria: Invitae Variant Classification Sherloc (09022015). Collection method: clinical testing. Allele origin: germline.
Comment: This sequence change replaces methionine, which is neutral and non-polar, with valine, which is neutral and non-polar, at codon 806 of the TSC1 protein (p.Met806Val). This variant is not present in population databases (gnomAD no frequency). This variant has not been reported in the literature in individuals affected with TSC1-related conditions. ClinVar contains an entry for this variant (Variation ID: 845236). Advanced modeling of protein sequence and biophysical properties (such as structural, functional, and spatial information, amino acid conservation, physicochemical variation, residue mobility, and thermodynamic stability) performed at Invitae indicates that this missense variant is not expected to disrupt TSC1 protein function with a negative predictive value of 95%. In summary, the available evidence is currently insufficient to determine the role of this variant in disease. Therefore, it has been classified as a Variant of Uncertain Significance.

NM_000368.5(TSC1):c.2416A>G (p.Met806Val)

Gene: TSC1 (TSC complex subunit 1; minus strand). Cytogenetic location: 9q34.13.
Variant type: single nucleotide variant.
Coding change: c.2416A>G on transcript NM_000368.5 (MANE Select); coding-DNA position 2416, A replaced by G.
Protein change: p.Met806Val; replaces methionine 806 with valine.
Molecular consequence: missense variant.
Genome position (GRCh38, 1-based): chr9:132,901,675, T>C on the plus strand (A>G on the coding strand, the complement: TSC1 is on the minus strand). VCF-style: chr9-132901675-T-C. GRCh37 (hg19) VCF-style: chr9-135777062-T-C.
Other names: c.2413A>G, p.Met805Val (NM_001162426.2); c.2263A>G, p.Met755Val (NM_001162427.2); c.2053A>G, p.Met685Val (NM_001362177.2); short protein forms M755V, M806V, M685V, M805V.
Identifiers: ClinVar variation 845236 (VCV000845236.11), dbSNP rs1845380611, ClinGen allele CA375358692.